The following is an entry in ClinVar:

NM_005654.6(NR2F1):c.471G>T (p.Gln157His)

Gene: NR2F1 (nuclear receptor subfamily 2 group F member 1; plus strand). Cytogenetic location: 5q15.
Variant type: single nucleotide variant.
Coding change: c.471G>T on transcript NM_005654.6 (MANE Select); coding-DNA position 471, G replaced by T.
Protein change: p.Gln157His; replaces glutamine 157 with histidine.
Molecular consequence: missense variant.
Genome position (GRCh38, 1-based): chr5:93,587,924, G>T. VCF-style: chr5-93587924-G-T. GRCh37 (hg19) VCF-style: chr5-92923630-G-T.
Other names: c.21G>T, p.Gln7His (NM_001410754.1); short protein forms Q157H, Q7H.
Identifiers: ClinVar variation 2430651 (VCV002430651.2), dbSNP rs2480808439, ClinGen allele CA360526383.

ClinVar aggregate classification (germline): Uncertain significance (1 of 4 stars; one submission).

Submission:

GeneDx
Classification: Uncertain significance. Last evaluated: 2025-06-21. Review status: criteria provided, single submitter. Criteria: GeneDx Variant Classification Process June 2021. Collection method: clinical testing. Allele origin: germline.
Comment: Not observed at significant frequency in large population cohorts (gnomAD); In silico analysis supports that this missense variant has a deleterious effect on protein structure/function; Has not been previously published as pathogenic or benign to our knowledge